The following is an entry in ClinVar:

ClinVar aggregate classification (germline): Uncertain significance. Review status: criteria provided, multiple submitters, no conflicts (2 of 4 stars). 3 submissions from 3 submitters: Uncertain significance (3). Last evaluated 2025-06-24.

Conditions:
Paget disease of bone 2, early-onset (PDB2). Also called: Paget disease of bone 2. Identifiers: MedGen C4085251, MONDO:0011183, OMIM 602080.
Frontotemporal dementia and/or amyotrophic lateral sclerosis 1 (FTDALS1). Also called: C9orf72 Frontotemporal Dementia and/or Amyotrophic Lateral Sclerosis; Frontotemporal dementia with motor neuron disease 1. Identifiers: Orphanet 275872, MedGen C5779877, MONDO:0007105, OMIM 105550.

Allele frequency attached by ClinVar (database versions not stated): gnomAD 0.00001; TOPMed 0.00002; gnomAD exomes 0.00003 and 0.00004; ExAC 0.00005.
gnomAD v4.1: 44 of 1,614,074 alleles (0.0027%); highest among the groups gnomAD compares: South Asian, 0.027%; 1 homozygote.

Submissions (3):

Labcorp Genetics (formerly Invitae), Labcorp
Classification: Uncertain significance for Paget disease of bone 2, early-onset; Frontotemporal dementia and/or amyotrophic lateral sclerosis 1. Last evaluated: 2025-06-24. Review status: criteria provided, single submitter. Criteria: Invitae Variant Classification Sherloc (09022015). Collection method: clinical testing. Allele origin: germline.
Comment: This sequence change replaces glycine, which is neutral and non-polar, with arginine, which is basic and polar, at codon 262 of the SQSTM1 protein (p.Gly262Arg). This variant is present in population databases (rs763179729, gnomAD 0.03%), including at least one homozygous and/or hemizygous individual. This missense change has been observed in individual(s) with amyotrophic lateral sclerosis (PMID: 29895397). ClinVar contains an entry for this variant (Variation ID: 1370171). Invitae Evidence Modeling of protein sequence and biophysical properties (such as structural, functional, and spatial information, amino acid conservation, physicochemical variation, residue mobility, and thermodynamic stability) indicates that this missense variant is not expected to disrupt SQSTM1 protein function with a negative predictive value of 80%. In summary, the available evidence is currently insufficient to determine the role of this variant in disease. Therefore, it has been classified as a Variant of Uncertain Significance.

Athena Diagnostics
Classification: Uncertain significance. Last evaluated: 2024-03-07. Review status: criteria provided, single submitter. Criteria: Athena Diagnostics Criteria. Collection method: clinical testing. Allele origin: unknown.
Comment: Available data are insufficient to determine the clinical significance of the variant at this time. The frequency of this variant in the general population is higher than would generally be expected for pathogenic variants in this gene. Computational tools disagree on the variant's effect on normal protein function.

GeneDx
Classification: Uncertain significance. Last evaluated: 2023-01-12. Review status: criteria provided, single submitter. Criteria: GeneDx Variant Classification Process June 2021. Collection method: clinical testing. Allele origin: germline. Affected: yes.
Comment: Reported in an individual with amyotrophic lateral sclerosis in published literature (Narain P et al., 2018); In silico analysis supports that this missense variant has a deleterious effect on protein structure/function; This variant is associated with the following publications: (PMID: Conesa2022[PosterAbstract], 32293029, 29895397)

Literature cited by the submitters: PubMed 29895397 (cited by Labcorp Genetics (formerly Invitae), Labcorp and Athena Diagnostics).

NM_003900.5(SQSTM1):c.784G>A (p.Gly262Arg)

Gene: SQSTM1 (sequestosome 1; plus strand). Cytogenetic location: 5q35.3.
Variant type: single nucleotide variant.
Coding change: c.784G>A on transcript NM_003900.5 (MANE Select); coding-DNA position 784, G replaced by A.
Protein change: p.Gly262Arg; replaces glycine 262 with arginine.
Molecular consequence: missense variant.
Genome position (GRCh38, 1-based): chr5:179,833,061, G>A. VCF-style: chr5-179833061-G-A. GRCh37 (hg19) VCF-style: chr5-179260061-G-A.
Other names: c.532G>A, p.Gly178Arg (NM_001142298.2, NM_001142299.2); c.784G>A (NM_003900.4); short protein forms G262R, G178R.
Identifiers: ClinVar variation 1370171 (VCV001370171.9), dbSNP rs763179729, ClinGen allele CA3600679.
Genomic context (GRCh38, chr5:179,833,061, plus strand): 5'-CACGGCTTGCTCTTTCCTCCTCCGCCTCTAGGCATTGAAGTTGATATCGATGTGGAGCAC[G>A]GAGGGAAAAGAAGCCGCCTGACCCCCGTCTCTCCAGAGAGTTCCAGCACAGAGGAGAAGA-3'
Protein context (NP_003891.1, residues 252-272): GIEVDIDVEH[Gly262Arg]GKRSRLTPVS